The following is an entry in ClinVar:

ClinVar aggregate classification (germline): Uncertain significance (1 of 4 stars; one submission).

Conditions:
Neuronopathy, distal hereditary motor, type 7A. Also called: Neuronopathy, distal hereditary motor, type viia; NEURONOPATHY, DISTAL HEREDITARY MOTOR, HARDING TYPE VIIA; NEUROPATHY, DISTAL HEREDITARY MOTOR, HARDING TYPE VIIA; Neuronopathy, distal hereditary motor, autosomal dominant 7; HARPER-YOUNG MYOPATHY; HMN VIIA. Identifiers: Orphanet 139589, MedGen C1834703, MONDO:0008024, OMIM 158580.
Congenital myasthenic syndrome 20. Also called: Myasthenic syndrome, congenital, 20, presynaptic. Identifiers: MedGen C4310694, MONDO:0014939, OMIM 617143.

Allele frequency attached by ClinVar (database versions not stated): TOPMed below 0.00001; gnomAD 0.00001.

Submission:

Labcorp Genetics (formerly Invitae), Labcorp
Classification: Uncertain significance for Neuronopathy, distal hereditary motor, type 7A; Congenital myasthenic syndrome 20. Last evaluated: 2023-06-19. Review status: criteria provided, single submitter. Criteria: Invitae Variant Classification Sherloc (09022015). Collection method: clinical testing. Allele origin: germline.
Comment: This sequence change replaces leucine, which is neutral and non-polar, with phenylalanine, which is neutral and non-polar, at codon 307 of the SLC5A7 protein (p.Leu307Phe). In summary, the available evidence is currently insufficient to determine the role of this variant in disease. Therefore, it has been classified as a Variant of Uncertain Significance. Advanced modeling of protein sequence and biophysical properties (such as structural, functional, and spatial information, amino acid conservation, physicochemical variation, residue mobility, and thermodynamic stability) performed at Invitae indicates that this missense variant is not expected to disrupt SLC5A7 protein function. This variant has not been reported in the literature in individuals affected with SLC5A7-related conditions. This variant is present in population databases (no rsID available, gnomAD 0.007%).

NM_021815.5(SLC5A7):c.919C>T (p.Leu307Phe)

Gene: SLC5A7 (solute carrier family 5 member 7; plus strand). Cytogenetic location: 2q12.3.
Variant type: single nucleotide variant.
Coding change: c.919C>T on transcript NM_021815.5 (MANE Select); coding-DNA position 919, C replaced by T.
Protein change: p.Leu307Phe; replaces leucine 307 with phenylalanine.
Molecular consequence: missense variant.
Genome position (GRCh38, 1-based): chr2:108,008,488, C>T. VCF-style: chr2-108008488-C-T. GRCh37 (hg19) VCF-style: chr2-108624944-C-T.
Other names: c.919C>T, p.Leu307Phe (NM_001305005.3); c.604C>T, p.Leu202Phe (NM_001305006.3); c.178C>T, p.Leu60Phe (NM_001305007.3); short protein forms L307F, L202F, L60F.
Identifiers: ClinVar variation 2949016 (VCV002949016.3), dbSNP rs1276057337, ClinGen allele CA348113430.